The following is an entry in ClinVar:

NM_001003787.4(STRADA):c.891dup (p.Cys298fs)

Gene: STRADA (STE20 related adaptor alpha; minus strand). Cytogenetic location: 17q23.3.
Variant type: Duplication.
Coding change: c.891dup on transcript NM_001003787.4 (MANE Select); coding-DNA position 891, one base duplicated (C; older notation c.891dupC).
Protein change: p.Cys298fs; shifts the reading frame from cysteine 298.
Molecular consequence: frameshift variant. On other transcripts: 3 prime UTR variant (3), non-coding transcript variant (1).
Genome position (GRCh38, 1-based): chr17:63,704,550, G duplicated on the plus strand (C on the coding strand, the reverse complement: STRADA is on the minus strand); the first of 3 consecutive G bases (chr17:63,704,550-63,704,552); duplicating any one gives the same sequence. VCF-style (leftmost placement, unchanged base first): chr17-63704549-A-AG. GRCh37 (hg19) VCF-style: chr17-61781909-A-AG.
Other names: c.780dup, p.Cys261fs (NM_001003786.3, NM_001363789.1, NM_153335.6); c.717dup, p.Cys240fs (NM_001003788.3, NM_001363790.1, NM_001363791.1); c.804dup, p.Cys269fs (NM_001165969.2, NM_001363787.1); c.759dup, p.Cys254fs (NM_001165970.2); c.867dup, p.Cys290fs (NM_001363786.1); c.891dup, p.Cys298fs (NM_001363788.1); c.*329dup (NM_001411083.1, NM_001411084.1); c.*340dup (NM_001411085.1); short protein forms C240fs, C254fs, C261fs, C269fs, C290fs, C298fs.
Identifiers: ClinVar variation 4282368 (VCV004282368.1).

ClinVar aggregate classification (germline): Pathogenic (1 of 4 stars; one submission).

Submission:

GeneDx
Classification: Pathogenic. Last evaluated: 2025-04-08. Review status: criteria provided, single submitter. Criteria: GeneDx Variant Classification Process June 2021. Collection method: clinical testing. Allele origin: germline. Affected: yes.
Comment: Frameshift variant predicted to result in protein truncation or nonsense mediated decay in a gene for which loss of function is a known mechanism of disease; Not observed at significant frequency in large population cohorts (gnomAD); This variant is associated with the following publications: (PMID: 37722301, 28688840)